The following is an entry in ClinVar:

ClinVar aggregate classification (germline): Benign/Likely benign. Review status: criteria provided, multiple submitters, no conflicts (2 of 4 stars). 6 submissions from 6 submitters: Benign (1); Likely benign (5). Last evaluated 2026-01-27.

Allele frequency attached by ClinVar (database versions not stated): gnomAD exomes 0.00024 and 0.00078; ExAC 0.00100; gnomAD 0.00255 and 0.00274; 1000 Genomes Project 0.00280; 1000 Genomes Project 30x 0.00281; TOPMed 0.00301; ESP Exome Variant Server 0.00392.
gnomAD v4.1: 753 of 1,610,356 alleles (0.047%); highest among the groups gnomAD compares: African/African-American, 0.91%; 1 homozygote.

Submissions (6):

Labcorp Genetics (formerly Invitae), Labcorp
Classification: Benign. Last evaluated: 2026-01-27. Review status: criteria provided, single submitter. Criteria: Invitae Variant Classification Sherloc (09022015). Collection method: clinical testing. Allele origin: germline.

Blueprint Genetics
Classification: Likely benign. Last evaluated: 2024-11-11. Review status: criteria provided, single submitter. Criteria: ACMG Guidelines, 2015. Collection method: clinical testing. Allele origin: germline.

CeGaT Center for Human Genetics Tuebingen
Classification: Likely benign. Last evaluated: 2023-07-01. Review status: criteria provided, single submitter. Criteria: CeGaT Center For Human Genetics Tuebingen Variant Classification Criteria Version 2. Collection method: clinical testing. Allele origin: germline. Affected: yes. Observed: 1 variant allele.
Comment: CEP135: BP4, BS1

GeneDx
Classification: Likely benign. Last evaluated: 2020-03-16. Review status: criteria provided, single submitter. Criteria: GeneDx Variant Classification Process June 2021. Collection method: clinical testing. Allele origin: germline. Affected: yes.

Genetic Services Laboratory, University of Chicago
Classification: Likely benign. Last evaluated: 2015-07-22. Review status: criteria provided, single submitter. Criteria: ACMG Guidelines, 2015. Collection method: clinical testing. Allele origin: germline.

Breakthrough Genomics
Classification: Likely benign. Review status: criteria provided, single submitter. Criteria: ACMG Guidelines, 2015. Collection method: not provided. Allele origin: germline. Inheritance: Autosomal recessive inheritance. Affected: yes.

NM_025009.5(CEP135):c.1254A>G (p.Arg418=)

Gene: CEP135 (centrosomal protein 135; plus strand). Cytogenetic location: 4q12.
Variant type: single nucleotide variant.
Coding change: c.1254A>G on transcript NM_025009.5 (MANE Select); coding-DNA position 1254, A replaced by G.
Protein change: p.Arg418=; no amino-acid change (arginine 418 retained).
Molecular consequence: synonymous variant.
Genome position (GRCh38, 1-based): chr4:55,974,750, A>G. VCF-style: chr4-55974750-A-G. GRCh37 (hg19) VCF-style: chr4-56840916-A-G.
Identifiers: ClinVar variation 210673 (VCV000210673.43), dbSNP rs62641662, ClinGen allele CA206636.